The following is an entry in ClinVar:

NM_018026.4(PACS1):c.514C>T (p.Gln172Ter)

Gene: PACS1 (phosphofurin acidic cluster sorting protein 1; plus strand). Cytogenetic location: 11q13.2.
Variant type: single nucleotide variant.
Coding change: c.514C>T on transcript NM_018026.4 (MANE Select); coding-DNA position 514, C replaced by T.
Protein change: p.Gln172Ter; replaces glutamine 172 with a stop codon.
Molecular consequence: nonsense.
Genome position (GRCh38, 1-based): chr11:66,210,431, C>T. VCF-style: chr11-66210431-C-T. GRCh37 (hg19) VCF-style: chr11-65977902-C-T.
Other names: short protein forms Q172*.
Identifiers: ClinVar variation 1878973 (VCV001878973.1), dbSNP rs2495537260, ClinGen allele CA381339565.

ClinVar aggregate classification (germline): Uncertain significance (1 of 4 stars; one submission).

Submission:

GeneDx
Classification: Uncertain significance. Last evaluated: 2022-07-13. Review status: criteria provided, single submitter. Criteria: GeneDx Variant Classification Process June 2021. Collection method: clinical testing. Allele origin: germline. Affected: yes.
Comment: Not observed at significant frequency in large population cohorts (gnomAD); Nonsense variant predicted to result in protein truncation or nonsense mediated decay in a gene or region of a gene for which loss of function is not a well-established mechanism of disease; Has not been previously published as pathogenic or benign to our knowledge